The following is an entry in ClinVar:

NM_000092.5(COL4A4):c.4915G>C (p.Gly1639Arg)

Gene: COL4A4 (collagen type IV alpha 4 chain; minus strand). Cytogenetic location: 2q36.3.
Variant type: single nucleotide variant.
Coding change: c.4915G>C on transcript NM_000092.5 (MANE Select); coding-DNA position 4915, G replaced by C.
Protein change: p.Gly1639Arg; replaces glycine 1639 with arginine.
Molecular consequence: missense variant.
Genome position (GRCh38, 1-based): chr2:227,007,483, C>G on the plus strand (G>C on the coding strand, the complement: COL4A4 is on the minus strand). VCF-style: chr2-227007483-C-G. GRCh37 (hg19) VCF-style: chr2-227872199-C-G.
Other names: short protein forms G1639R.
Identifiers: ClinVar variation 1678635 (VCV001678635.9), dbSNP rs749899964, ClinGen allele CA2144020.

ClinVar aggregate classification (germline): Conflicting classifications of pathogenicity. Review status: criteria provided, conflicting classifications (1 of 4 stars). 4 submissions from 4 submitters: Uncertain significance (3); Likely benign (1). Last evaluated 2025-03-07.

Conditions:
Autosomal recessive Alport syndrome (ATS2). Also called: COL4A4 Alport Syndrome and Thin Basement Membrane Nephropathy; ALPORT SYNDROME 2, AUTOSOMAL RECESSIVE; Alport syndrome type 2; COL4A3-Related Nephropathy. Identifiers: Orphanet 63, Orphanet 88919, MedGen C4746745, MONDO:0008762, OMIM 203780.
Hematuria, benign familial, 1 (BFH1). Also called: THIN MEMBRANE NEPHROPATHY. Identifiers: MedGen CN376803, MONDO:0007709, OMIM 141200.

Allele frequency attached by ClinVar (database versions not stated): gnomAD exomes below 0.00001 and 0.00002; TOPMed below 0.00001; ExAC 0.00001; gnomAD 0.00001.

Submissions (4):

3billion
Classification: Uncertain significance for Autosomal recessive Alport syndrome. Last evaluated: 2025-03-07. Review status: criteria provided, single submitter. Criteria: ACMG Guidelines, 2015. Collection method: clinical testing. Allele origin: germline. Affected: yes.

Fulgent Genetics
Classification: Uncertain significance for Hematuria, benign familial, 1; Autosomal recessive Alport syndrome. Last evaluated: 2024-04-11. Review status: criteria provided, single submitter. Criteria: ACMG Guidelines, 2015. Collection method: clinical testing. Allele origin: germline.

Labcorp Genetics (formerly Invitae), Labcorp
Classification: Likely benign. Last evaluated: 2023-12-18. Review status: criteria provided, single submitter. Criteria: Invitae Variant Classification Sherloc (09022015). Collection method: clinical testing. Allele origin: germline.

Molecular Genetics, Royal Melbourne Hospital
Classification: Uncertain significance for Autosomal recessive Alport syndrome. Last evaluated: 2023-03-30. Review status: criteria provided, single submitter. Criteria: ACMG Guidelines, 2015. Collection method: clinical testing. Allele origin: germline. Affected: yes.
Comment: This sequence change is predicted to replace glycine with arginine at codon 1639 of the COL4A4 protein (p.Gly1639Arg). The glycine residue is highly conserved (100 vertebrates, UCSC), and situated in a turn and disulphide bond in a beta sheet of the second C-terminal tandem repeated type IV collagen C4 domain. There is a large physicochemical difference between glycine and arginine. The variant is present in a large population cohort at a frequency of 0.002%, which is consistent with recessive disease (rs749899964, 6/249,328 alleles, 0 homozygotes in gnomAD v2.1.1 - PM2). It has been reported in a case with familial haematuria (no other information provided; DOI 10.1016/j.ekir.2019.05.028), and in a proband with X-linked Alport syndrome (XLAS, with a pathogenic COL4A5 missense variant) and more severe proteinuria compared to other XLAS cases (PMID: 30883042). Identified in a suspected Alport syndrome case with a likely pathogenic COL4A4 inframe deletion (p.Ile29_Leu30del, phase unknown, Royal Melbourne Hospital - PM3_Supporting). Multiple lines of computational evidence predict a deleterious effect for the missense substitution (6/6 algorithms - PP3). Based on the classification scheme RMH ACMG Guidelines v1.1.1, this variant is classified as a VARIANT of UNCERTAIN SIGNIFICANCE. Following criteria are met: PM2, PM3_Supporting, PP3.

Literature cited by the submitters: PubMed 30883042 (cited by Molecular Genetics, Royal Melbourne Hospital).